The following is an entry in ClinVar:

ClinVar aggregate classification (germline): Uncertain significance (1 of 4 stars; one submission).

Conditions:
GNE myopathy (NM). Also called: IBM 2; Inclusion body myopathy autosomal recessive; Inclusion body myopathy quadriceps sparing; MYOPATHY, DISTAL, WITH OR WITHOUT RIMMED VACUOLES; NONAKA DISTAL MYOPATHY; INCLUSION BODY MYOPATHY, HEREDITARY, AUTOSOMAL RECESSIVE. Identifiers: Orphanet 602, MedGen C1853926, MONDO:0011603, OMIM 605820.
Sialuria. Also called: Sialic Acid Storage Disease; SIALURIA, FRENCH TYPE. Identifiers: Orphanet 3166, MedGen C0342853, MONDO:0010028, OMIM 269921.

Allele frequency attached by ClinVar (database versions not stated): TOPMed below 0.00001.

Submission:

Labcorp Genetics (formerly Invitae), Labcorp
Classification: Uncertain significance for Sialuria; GNE myopathy. Last evaluated: 2022-09-15. Review status: criteria provided, single submitter. Criteria: Invitae Variant Classification Sherloc (09022015). Collection method: clinical testing. Allele origin: germline.
Comment: This sequence change replaces glutamic acid, which is acidic and polar, with lysine, which is basic and polar, at codon 460 of the GNE protein (p.Glu460Lys). This variant is not present in population databases (gnomAD no frequency). This variant has not been reported in the literature in individuals affected with GNE-related conditions. ClinVar contains an entry for this variant (Variation ID: 1023562). Algorithms developed to predict the effect of missense changes on protein structure and function (SIFT, PolyPhen-2, Align-GVGD) all suggest that this variant is likely to be tolerated. In summary, the available evidence is currently insufficient to determine the role of this variant in disease. Therefore, it has been classified as a Variant of Uncertain Significance.

NM_005476.7(GNE):c.1285G>A (p.Glu429Lys)

Gene: GNE (glucosamine (UDP-N-acetyl)-2-epimerase/N-acetylmannosamine kinase; minus strand). Cytogenetic location: 9p13.3.
Variant type: single nucleotide variant.
Coding change: c.1285G>A on transcript NM_005476.7 (MANE Select); coding-DNA position 1285, G replaced by A.
Protein change: p.Glu429Lys; replaces glutamic acid 429 with lysine.
Molecular consequence: missense variant.
Genome position (GRCh38, 1-based): chr9:36,223,499, C>T on the plus strand (G>A on the coding strand, the complement: GNE is on the minus strand). VCF-style: chr9-36223499-C-T. GRCh37 (hg19) VCF-style: chr9-36223496-C-T.
Other names: c.1378G>A, p.Glu460Lys (NM_001128227.3); c.1285G>A, p.Glu429Lys (NM_001190383.3); c.955G>A, p.Glu319Lys (NM_001190384.3); c.1108G>A, p.Glu370Lys (NM_001190388.2, NM_001374798.1); c.1132G>A, p.Glu378Lys (NM_001374797.1); short protein forms E319K, E370K, E378K, E429K, E460K.
Identifiers: ClinVar variation 1023562 (VCV001023562.10), dbSNP rs1828703850, ClinGen allele CA373428060.